The following is an entry in ClinVar:

NM_000064.4(C3):c.304C>G (p.Arg102Gly)

Gene: C3 (complement C3; minus strand). Cytogenetic location: 19p13.3.
Variant type: single nucleotide variant.
Coding change: c.304C>G on transcript NM_000064.4 (MANE Select); coding-DNA position 304, C replaced by G.
Protein change: p.Arg102Gly; replaces arginine 102 with glycine.
Molecular consequence: missense variant.
Genome position (GRCh38, 1-based): chr19:6,718,376, G>C on the plus strand (C>G on the coding strand, the complement: C3 is on the minus strand). VCF-style: chr19-6718376-G-C. GRCh37 (hg19) VCF-style: chr19-6718387-G-C.
Other names: C3, ARG102GLY; c.304C>G, p.Arg102Gly (LRG_27t1); short protein forms R102G.
Identifiers: ClinVar variation 17056 (VCV000017056.25), dbSNP rs2230199, ClinGen allele CA127061.
Genomic context (GRCh38, chr19:6,718,376, plus strand): 5'-GCACCACCTTCTCCACCACTTGGGTCCCGAAGGTGGCCTGCACGGTCACGAACTTGTTGC[G>C]CCCCTTTTCTGACTTGAACTCCCTGTTGGCTGGGATCTAGGCGTGGGCAGGGCATTGTCA-3'
Protein context (NP_000055.2, residues 92-112): ANREFKSEKG[Arg102Gly]NKFVTVQATF

ClinVar aggregate classification (germline): Benign/Likely benign. Review status: criteria provided, multiple submitters, no conflicts (2 of 4 stars). 12 submissions from 11 submitters: Benign (8); Likely benign (2). 2 of the submissions do not count toward it. Last evaluated 2026-02-04.

Conditions:
Atypical hemolytic-uremic syndrome. Identifiers: Orphanet 2134, MedGen C2931788, MONDO:0016244.
C3 glomerulonephritis. Also called: Nephropathy due to CFHR5 Deficiency; C3 GLOMERULOPATHY 3. Identifiers: Orphanet 329931, MedGen C4055342, MONDO:0013892, OMIM 614809.
Complement component 3 deficiency. Identifiers: Orphanet 280133, MedGen C3151071, MONDO:0013417, OMIM 613779.
Inborn genetic diseases. Identifiers: MedGen C0950123, MeSH D030342.
Age related macular degeneration 9. Identifiers: MedGen C1969651, MONDO:0012659, OMIM 611378.
MACULAR DEGENERATION, AGE-RELATED, 9, SUSCEPTIBILITY TO.
C3S/C3F POLYMORPHISM.
Focal segmental glomerulosclerosis (FSGS). Also called: Glomerulosclerosis, focal; Focal sclerosis with hyalinosis. Identifiers: MedGen C0017668, MONDO:0100313, HP:0000097. Disease mechanism: loss of function.

Allele frequency attached by ClinVar (database versions not stated): 1000 Genomes Project 30x 0.08557; 1000 Genomes Project 0.08726; TOPMed 0.13129; gnomAD 0.14187 and 0.14228; gnomAD exomes 0.15049; ExAC 0.15180.
gnomAD v4.1: 302,553 of 1,614,024 alleles (19%); highest among the groups gnomAD compares: Non-Finnish European, 21%; 31,345 homozygotes.

Submissions (12):

Labcorp Genetics (formerly Invitae), Labcorp
Classification: Benign. Last evaluated: 2026-02-04. Review status: criteria provided, single submitter. Criteria: Invitae Variant Classification Sherloc (09022015). Collection method: clinical testing. Allele origin: germline.

Women's Health and Genetics/Laboratory Corporation of America, LabCorp
Classification: Likely benign. Last evaluated: 2026-01-21. Review status: criteria provided, single submitter. Criteria: LabCorp Variant Classification Summary - May 2015. Collection method: clinical testing. Allele origin: germline.

Genomenon, Inc
Classification: Benign for Complement component 3 deficiency; C3 glomerulonephritis; Atypical hemolytic-uremic syndrome. Last evaluated: 2025-09-30. Review status: criteria provided, single submitter. Criteria: Genomenon Sequence Variant Interpretation Standards. Collection method: curation. Allele origin: germline. Affected: no.
Comment: C3 p.Arg102Gly (c.304C>G) is a missense variant that changes the amino acid at residue 102 from Arginine to Glycine. This variant is present at high allele frequency in population databases. In conclusion, we classify C3 p.Arg102Gly (c.304C>G) as a benign variant.

Blueprint Genetics
Classification: Likely benign. Last evaluated: 2024-11-28. Review status: criteria provided, single submitter. Criteria: ACMG Guidelines, 2015. Collection method: clinical testing. Allele origin: germline.

Genome Diagnostics Laboratory, The Hospital for Sick Children
Classification: Benign for Focal segmental glomerulosclerosis. Last evaluated: 2022-09-27. Review status: criteria provided, single submitter. Criteria: ACMG Guidelines, 2015. Collection method: clinical testing. Allele origin: germline.

Mayo Clinic Laboratories, Mayo Clinic
Classification: Benign. Last evaluated: 2022-09-26. Review status: criteria provided, single submitter. Criteria: ACMG Guidelines, 2015. Collection method: clinical testing. Allele origin: germline. Observed: 772 variant alleles.
Comment: BA1

GeneDx
Classification: Benign. Last evaluated: 2021-06-09. Review status: criteria provided, single submitter. Criteria: GeneDx Variant Classification Process June 2021. Collection method: clinical testing. Allele origin: germline. Affected: yes.
Comment: This variant is associated with the following publications: (PMID: 29485352, 30131807, 25322978, 7870343, 20385819, 21555552, 24736606, 19823576, 19168221, 17634448, 24036950, 24036949, 20664795, 25488663, 21784901, 18325906, 25688879, 25087612)

Illumina Laboratory Services, Illumina
Classification: Benign for Age related macular degeneration 9. Last evaluated: 2017-04-27. Review status: criteria provided, single submitter. Criteria: ICSL Variant Classification Criteria 13 December 2019. Collection method: clinical testing. Allele origin: germline.
Comment: This variant was observed as part of a predisposition screen in an ostensibly healthy population. A literature search was performed for the gene, cDNA change, and amino acid change (where applicable). Publications were found based on this search. The evidence from the literature, in combination with allele frequency data from public databases where available, was sufficient to rule this variant out of causing disease. Therefore, this variant is classified as benign.

Ambry Genetics
Classification: Benign for Inborn genetic diseases. Last evaluated: 2015-01-23. Review status: criteria provided, single submitter. Criteria: Ambry Variant Classification Scheme 2023. Collection method: clinical testing. Allele origin: germline.

Breakthrough Genomics
Classification: Benign. Review status: criteria provided, single submitter. Criteria: ACMG Guidelines, 2015. Collection method: not provided. Allele origin: germline. Inheritance: Autosomal recessive inheritance. Affected: yes.

OMIM
Classification: risk factor for MACULAR DEGENERATION, AGE-RELATED, 9, SUSCEPTIBILITY TO. Last evaluated: 2013-04-01. Review status: no assertion criteria provided. Collection method: literature only. Allele origin: germline. Not counted in ClinVar's aggregate classification.

OMIM
Classification: Benign for C3S/C3F POLYMORPHISM. Last evaluated: 2013-04-01. Review status: no assertion criteria provided. Collection method: literature only. Allele origin: germline. Not counted in ClinVar's aggregate classification.

Literature cited by the submitters: PubMed 20664795 (cited by Illumina Laboratory Services, Illumina); PubMed 23112567 (cited by Illumina Laboratory Services, Illumina); PubMed 21576320 (cited by Illumina Laboratory Services, Illumina); PubMed 7870343 (cited by Illumina Laboratory Services, Illumina); PubMed 22718507 (cited by Illumina Laboratory Services, Illumina); PubMed 17634448 (cited by Illumina Laboratory Services, Illumina and OMIM); PubMed 1976733 (cited by Illumina Laboratory Services, Illumina and OMIM); PubMed 16687714 (cited by OMIM); PubMed 17767156 (cited by OMIM); PubMed 19259132 (cited by OMIM); PubMed 23455636 (cited by OMIM).